The following is an entry in ClinVar:

ClinVar aggregate classification (germline): Uncertain significance. Review status: criteria provided, single submitter (1 of 4 stars). 2 submissions from 2 submitters: Uncertain significance (1). 1 of the submissions does not count toward it.

Conditions:
DYNC2H1-related disorder. Also called: DYNC2H1-related condition; DYNC2H1-related disorders. Identifiers: MedGen CN378770.
Asphyxiating thoracic dystrophy 3. Also called: SHORT-RIB THORACIC DYSPLASIA 3 WITH OR WITHOUT POLYDACTYLY; POLYDACTYLY WITH NEONATAL CHONDRODYSTROPHY, TYPE I; SHORT-RIB THORACIC DYSPLASIA 3/6 WITH POLYDACTYLY, DIGENIC; Short rib polydactyly syndrome 2B; Saldino-Noonan Syndrome. Identifiers: Orphanet 474, Orphanet 93269, Orphanet 93270, Orphanet 93271, MedGen C0036069, MONDO:0013127, OMIM 613091.

Allele frequency attached by ClinVar (database versions not stated): gnomAD exomes 0.00001; TOPMed 0.00002; ExAC 0.00003; gnomAD 0.00006; 1000 Genomes Project 30x 0.00031; 1000 Genomes Project 0.00040.
gnomAD v4.1: 21 of 1,604,134 alleles (0.0013%); highest among the groups gnomAD compares: South Asian, 0.015%; no homozygotes.

Submissions (2):

Juno Genomics, Hangzhou Juno Genomics, Inc
Classification: Uncertain significance for Asphyxiating thoracic dystrophy 3. Review status: criteria provided, single submitter. Criteria: ACMG Guidelines, 2015. Collection method: clinical testing. Allele origin: germline. Affected: yes.
Comment: Absent from controls (or at extremely low frequency if recessive) in Genome Aggregation Database, Exome Sequencing Project, 1000 Genomes Project, or Exome Aggregation Consortium.;Patient's phenotype or family history is highly specific for a disease with a single genetic etiology.

PreventionGenetics, part of Exact Sciences
Classification: Likely benign for DYNC2H1-related condition. Last evaluated: 2019-06-17. Review status: no assertion criteria provided. Collection method: clinical testing. Allele origin: germline. Not counted in ClinVar's aggregate classification.
Comment: This variant is classified as likely benign based on ACMG/AMP sequence variant interpretation guidelines (Richards et al. 2015 PMID: 25741868, with internal and published modifications).

NM_001377.3(DYNC2H1):c.1954-3T>C

Gene: DYNC2H1 (dynein cytoplasmic 2 heavy chain 1; plus strand). Cytogenetic location: 11q22.3.
Variant type: single nucleotide variant.
Coding change: c.1954-3T>C on transcript NM_001377.3 (MANE Select); 3 bases into the intron before coding-DNA position 1954, T replaced by C.
Molecular consequence: intron variant.
Genome position (GRCh38, 1-based): chr11:103,133,552, T>C. VCF-style: chr11-103133552-T-C. GRCh37 (hg19) VCF-style: chr11-103004281-T-C.
Other names: c.1954-3T>C (NM_001080463.2).
Identifiers: ClinVar variation 3034399 (VCV003034399.4), dbSNP rs576679074, ClinGen allele CA6252929.
Genomic context (GRCh38, chr11:103,133,552, plus strand): 5'-ATATTGAAACTTTTGGAAAAAAGAAATACTTATACATACTAAAGGTTATTTATTGTACCA[T>C]AGAATTCAAAAGCAGGAAGTGGAGGGAAATCACAGATAACTTGGGATAATCCTAAAGAAT-3'